The following is an entry in ClinVar:

NM_003400.4(XPO1):c.2737_2738del (p.Ser913fs)

Genes: USP34-DT (USP34 divergent transcript; plus strand), XPO1 (exportin 1; minus strand). Cytogenetic location: 2p15.
Variant type: Microsatellite.
Coding change: c.2737_2738del on transcript NM_003400.4 (MANE Select); coding-DNA positions 2737 to 2738, 2 bases deleted (AG; older notation c.2737_2738delAG).
Protein change: p.Ser913fs; shifts the reading frame from serine 913.
Molecular consequence: frameshift variant. On other transcripts: non-coding transcript variant (1).
Genome position (GRCh38, 1-based): chr2:61,483,031-61,483,032, CT deleted on the plus strand (AG on the coding strand, the reverse complement: XPO1 is on the minus strand); deleting any 2 consecutive bases within chr2:61,483,031-61,483,034 gives the same sequence; the c. name uses the placement nearest the transcript's 3' end. VCF-style (leftmost placement, unchanged base first): chr2-61483030-ACT-A. GRCh37 (hg19) VCF-style: chr2-61710165-ACT-A.
Other names: c.2602_2603del, p.Ser868fs (NM_001410799.1); short protein forms S868fs, S913fs.
Identifiers: ClinVar variation 4076632 (VCV004076632.1).
Genomic context (GRCh38, chr2:61,483,030, plus strand): 5'-AGTGTCTGTCACAACAGAAAAGATATGCTGGAGAATATCACAAAAATAAGTTTGATAAAA[ACT>A]CTGAGCTGCAGCTTCTTCTTGTGCAACATTTTGTAAGAGTGTAAAAAGTATCTGTAAGCC-3'

ClinVar aggregate classification (germline): Uncertain significance (1 of 4 stars; one submission).

Submission:

GeneDx
Classification: Uncertain significance. Last evaluated: 2024-07-16. Review status: criteria provided, single submitter. Criteria: GeneDx Variant Classification Process June 2021. Collection method: clinical testing. Allele origin: germline. Affected: yes.
Comment: Frameshift variant predicted to result in protein truncation or nonsense mediated decay in a gene or region of a gene for which loss of function is not a well-established mechanism of disease; Not observed at significant frequency in large population cohorts (gnomAD); Has not been previously published as pathogenic or benign to our knowledge; Variants in candidate genes are classified as variants of uncertain significance in accordance with ACMG guidelines (PMID: 25741868)